The following is an entry in ClinVar:

NM_004667.6(HERC2):c.6386G>A (p.Arg2129His)

Gene: HERC2 (HECT and RLD domain containing E3 ubiquitin protein ligase 2; minus strand). Cytogenetic location: 15q13.1.
Variant type: single nucleotide variant.
Coding change: c.6386G>A on transcript NM_004667.6 (MANE Select); coding-DNA position 6386, G replaced by A.
Protein change: p.Arg2129His; replaces arginine 2129 with histidine.
Molecular consequence: missense variant.
Genome position (GRCh38, 1-based): chr15:28,214,245, C>T on the plus strand (G>A on the coding strand, the complement: HERC2 is on the minus strand). VCF-style: chr15-28214245-C-T. GRCh37 (hg19) VCF-style: chr15-28459391-C-T.
Other names: short protein forms R2129H.
Identifiers: ClinVar variation 4883145 (VCV004883145.2).

ClinVar aggregate classification (germline): Uncertain significance (1 of 4 stars; one submission).

gnomAD v4.1: 31 of 1,611,534 alleles (0.0019%); highest among the groups gnomAD compares: Admixed American, 0.0033%; 1 homozygote.

Submission:

Dasa
Classification: Uncertain significance. Last evaluated: 2024-06-17. Review status: criteria provided, single submitter. Criteria: DASA Assertion Criteria. Collection method: clinical testing. Allele origin: germline.
Comment: NM_004667.6(HERC2):c.6386G>A (p.Arg2129His) is a missense variant that results in the substitution of arginine with histidine. This variant is rare in population databases. Computational prediction algorithms are consistent with a benign effect. The currently available literature and clinical evidence are not sufficient to establish a definitive association between this variant and the reported condition. Therefore, this variant is classified as a variant of uncertain significance.